The following is an entry in ClinVar:

ClinVar aggregate classification (germline): Likely pathogenic (1 of 4 stars; one submission).

Submission:

GeneDx
Classification: Likely pathogenic. Last evaluated: 2016-08-30. Review status: criteria provided, single submitter. Criteria: GeneDx Variant Classification (06012015). Collection method: clinical testing. Allele origin: germline. Affected: yes.
Comment: The Y202C variant has been published previously in association with EEC syndrome (van Bokhoven et al., 2002). The variant was not observed in approximately 6,500 individuals of European and African American ancestry in the NHLBI Exome Sequencing Project, indicating it is not a common benign variant in these populations. Y202C is a non-conservative amino acid substitution, which is likely to impact secondary protein structure as these residues differ in polarity, charge, size and/or other properties. This substitution occurs at a position within the DNA-binding domain that is conserved across species, and in silico analysis predicts this variant is probably damaging to the protein structure/function. While functional studies on the Y202C variant have been published and show Y202C leads to decreased degradation of the TP63 protein, the molecular effects of Y202C over-expression or Y202C's effect on transcriptional activity were not discussed (Browne et al., 2011). Therefore, this variant is likely pathogenic; however, the possibility that it is benign cannot be excluded.

NM_003722.5(TP63):c.605A>G (p.Tyr202Cys)

Gene: TP63 (tumor protein p63; plus strand). Cytogenetic location: 3q28.
Variant type: single nucleotide variant.
Coding change: c.605A>G on transcript NM_003722.5 (MANE Select); coding-DNA position 605, A replaced by G.
Protein change: p.Tyr202Cys; replaces tyrosine 202 with cysteine.
Molecular consequence: missense variant.
Genome position (GRCh38, 1-based): chr3:189,864,257, A>G. VCF-style: chr3-189864257-A-G. GRCh37 (hg19) VCF-style: chr3-189582046-A-G.
Other names: c.605A>G, p.Tyr202Cys (NM_001114978.2, NM_001114979.2, NM_001329144.2 and 1 more transcripts); c.323A>G, p.Tyr108Cys (NM_001114980.2, NM_001114981.2, NM_001114982.2 and 2 more transcripts); c.68A>G, p.Tyr23Cys (NM_001329146.2, NM_001329150.2); c.599A>G, p.Tyr200Cys (NM_001329964.2); short protein forms Y202C, Y108C, Y200C, Y23C.
Identifiers: ClinVar variation 372786 (VCV000372786.1), dbSNP rs1057517984, ClinGen allele CA16042432.